The following is an entry in ClinVar:

NM_001046.3(SLC12A2):c.476C>T (p.Ala159Val)

Gene: SLC12A2 (solute carrier family 12 member 2; plus strand). Cytogenetic location: 5q23.3.
Variant type: single nucleotide variant.
Coding change: c.476C>T on transcript NM_001046.3 (MANE Select); coding-DNA position 476, C replaced by T.
Protein change: p.Ala159Val; replaces alanine 159 with valine.
Molecular consequence: missense variant. On other transcripts: non-coding transcript variant (1).
Genome position (GRCh38, 1-based): chr5:128,084,430, C>T. VCF-style: chr5-128084430-C-T. GRCh37 (hg19) VCF-style: chr5-127420122-C-T.
Other names: c.476C>T (NM_001046.2); c.476C>T, p.Ala159Val (NM_001256461.2); short protein forms A159V.
Identifiers: ClinVar variation 2169828 (VCV002169828.7), dbSNP rs774885519, ClinGen allele CA3392813.
Genomic context (GRCh38, chr5:128,084,430, plus strand): 5'-TCCGCGTGAACTTCGTGGACCCAGCTGCCTCCTCGTCGGCTGAAGACAGCCTGTCAGATG[C>T]TGCCGGGGTCGGAGTCGACGGGCCCAACGTGAGCTTCCAGAACGGCGGGGACACGGTGCT-3'
Protein context (NP_001037.1, residues 149-169): SSSAEDSLSD[Ala159Val]AGVGVDGPNV

ClinVar aggregate classification (germline): Conflicting classifications of pathogenicity. Review status: criteria provided, conflicting classifications (1 of 4 stars). 4 submissions from 4 submitters: Uncertain significance (3); Likely benign (1). Last evaluated 2026-03-09.

Conditions:
Kilquist syndrome (KILQS). Also called: SLC12A2-related autosomal recessive neonatal-developmental delay-intellectual disability-feeding difficulty-sensorineural deafness syndrome. Identifiers: Orphanet 633021, MedGen C5436756, MONDO:0033664, OMIM 619080.
SLC12A2-related disorder. Also called: SLC12A2-related condition; SLC12A2-related disorders.
Inborn genetic diseases. Identifiers: MedGen C0950123, MeSH D030342.

Allele frequency attached by ClinVar (database versions not stated): ExAC 0.00002; gnomAD 0.00002.
gnomAD v4.1: 12 of 1,612,278 alleles (0.00074%); highest among the groups gnomAD compares: African/African-American, 0.0053%; no homozygotes.

Submissions (4):

PreventionGenetics, part of Exact Sciences
Classification: Uncertain significance for SLC12A2-related condition. Last evaluated: 2026-03-09. Review status: criteria provided, single submitter. Criteria: ACMG Guidelines, 2015. Collection method: clinical testing. Allele origin: germline.
Comment: The SLC12A2 c.476C>T variant is predicted to result in the amino acid substitution p.Ala159Val. To our knowledge, this variant has not been reported in the literature. This variant is reported in 0.0042% of alleles in individuals of African descent in gnomAD. At this time, the clinical significance of this variant is uncertain due to the absence of conclusive functional and genetic evidence.

Ambry Genetics
Classification: Uncertain significance for Inborn genetic diseases. Last evaluated: 2025-05-06. Review status: criteria provided, single submitter. Criteria: Ambry Variant Classification Scheme 2023. Collection method: clinical testing. Allele origin: germline.

Labcorp Genetics (formerly Invitae), Labcorp
Classification: Uncertain significance. Last evaluated: 2024-10-27. Review status: criteria provided, single submitter. Criteria: Invitae Variant Classification Sherloc (09022015). Collection method: clinical testing. Allele origin: germline.
Comment: This sequence change replaces alanine, which is neutral and non-polar, with valine, which is neutral and non-polar, at codon 159 of the SLC12A2 protein (p.Ala159Val). The frequency data for this variant in the population databases is considered unreliable, as metrics indicate poor data quality at this position in the gnomAD database. This variant has not been reported in the literature in individuals affected with SLC12A2-related conditions. ClinVar contains an entry for this variant (Variation ID: 2169828). Invitae Evidence Modeling of protein sequence and biophysical properties (such as structural, functional, and spatial information, amino acid conservation, physicochemical variation, residue mobility, and thermodynamic stability) indicates that this missense variant is not expected to disrupt SLC12A2 protein function with a negative predictive value of 95%. In summary, the available evidence is currently insufficient to determine the role of this variant in disease. Therefore, it has been classified as a Variant of Uncertain Significance.

3billion
Classification: Likely benign for Kilquist syndrome. Last evaluated: 2024-09-20. Review status: criteria provided, single submitter. Criteria: ACMG Guidelines, 2015. Collection method: clinical testing. Allele origin: germline. Affected: no.
Comment: The homozygous variant was found in patients diagnosed with another variant in a different gene, with no symptoms related to the gene containing the homozygous variant.